The following is an entry in ClinVar:

NM_001129.5(AEBP1):c.3465T>A (p.Phe1155Leu)

Gene: AEBP1 (AE binding protein 1; plus strand). Cytogenetic location: 7p13.
Variant type: single nucleotide variant.
Coding change: c.3465T>A on transcript NM_001129.5 (MANE Select); coding-DNA position 3465, T replaced by A.
Protein change: p.Phe1155Leu; replaces phenylalanine 1155 with leucine.
Molecular consequence: missense variant.
Genome position (GRCh38, 1-based): chr7:44,114,249, T>A. VCF-style: chr7-44114249-T-A. GRCh37 (hg19) VCF-style: chr7-44153848-T-A.
Other names: short protein forms F1155L.
Identifiers: ClinVar variation 3768571 (VCV003768571.1).
Genomic context (GRCh38, chr7:44,114,249, plus strand): 5'-GGAGATAGCCACTGGCCAGGCATTCCCCTTCACAACAGTAGAGACCTACACAGTGAACTT[T>A]GGGGACTTCTGAGATCAGCGTCCTACCAAGACCCCAGCCCAACTCAAGCTACAGCAGCAG-3'
Protein context (NP_001120.3, residues 1145-1158): FTTVETYTVN[Phe1155Leu]GDF

ClinVar aggregate classification (germline): Uncertain significance (1 of 4 stars; one submission).

gnomAD v4.1: 4 of 1,613,582 alleles (0.00025%); highest among the groups gnomAD compares: Non-Finnish European, 0.00034%; no homozygotes.

Submission:

Women's Health and Genetics/Laboratory Corporation of America, LabCorp
Classification: Uncertain significance. Last evaluated: 2024-12-17. Review status: criteria provided, single submitter. Criteria: LabCorp Variant Classification Summary - May 2015. Collection method: clinical testing. Allele origin: germline.
Comment: Variant summary: AEBP1 c.3465T>A (p.Phe1155Leu) results in a non-conservative amino acid change in the encoded protein sequence. Three of five in-silico tools predict a benign effect of the variant on protein function. The variant was absent in 251222 control chromosomes. The available data on variant occurrences in the general population are insufficient to allow any conclusion about variant significance. To our knowledge, no occurrence of c.3465T>A in individuals affected with Ehlers-Danlos syndrome, classic-like, 2 and no experimental evidence demonstrating its impact on protein function have been reported. No submitters have cited clinical-significance assessments for this variant to ClinVar. Based on the evidence outlined above, the variant was classified as uncertain significance.